The following is an entry in ClinVar:

NM_198282.4(STING1):c.211C>A (p.Arg71Ser)

Gene: STING1 (stimulator of interferon response cGAMP interactor 1; minus strand). Cytogenetic location: 5q31.2.
Variant type: single nucleotide variant.
Coding change: c.211C>A on transcript NM_198282.4 (MANE Select); coding-DNA position 211, C replaced by A.
Protein change: p.Arg71Ser; replaces arginine 71 with serine.
Molecular consequence: missense variant. On other transcripts: intron variant (1).
Genome position (GRCh38, 1-based): chr5:139,481,494, G>T on the plus strand (C>A on the coding strand, the complement: STING1 is on the minus strand). VCF-style: chr5-139481494-G-T. GRCh37 (hg19) VCF-style: chr5-138861079-G-T.
Other names: c.211C>A, p.Arg71Ser (NM_001301738.2); c.-130-152C>A (NM_001367258.1); c.211C>A (NM_198282.2); short protein forms R71S.
Identifiers: ClinVar variation 953790 (VCV000953790.11), dbSNP rs768649460, ClinGen allele CA3435484.

ClinVar aggregate classification (germline): Uncertain significance. Review status: criteria provided, multiple submitters, no conflicts (2 of 4 stars). 2 submissions from 2 submitters: Uncertain significance (2). Last evaluated 2024-12-17.

Conditions:
Inborn genetic diseases. Identifiers: MedGen C0950123, MeSH D030342.
STING-associated vasculopathy with onset in infancy. Also called: Sting-associated vasculopathy, infantile-onset. Identifiers: Orphanet 425120, MedGen C4014722, MONDO:0014405, OMIM 615934.

Allele frequency attached by ClinVar (database versions not stated): TOPMed 0.00002; gnomAD 0.00001.
gnomAD v4.1: 3 of 1,613,628 alleles (0.00019%); highest among the groups gnomAD compares: Admixed American, 0.0017%; no homozygotes.

Submissions (2):

Ambry Genetics
Classification: Uncertain significance for Inborn genetic diseases. Last evaluated: 2024-12-17. Review status: criteria provided, single submitter. Criteria: Ambry Variant Classification Scheme 2023. Collection method: clinical testing. Allele origin: germline.

Labcorp Genetics (formerly Invitae), Labcorp
Classification: Uncertain significance for STING-associated vasculopathy with onset in infancy. Last evaluated: 2024-04-08. Review status: criteria provided, single submitter. Criteria: Invitae Variant Classification Sherloc (09022015). Collection method: clinical testing. Allele origin: germline.
Comment: This sequence change replaces arginine, which is basic and polar, with serine, which is neutral and polar, at codon 71 of the TMEM173 protein (p.Arg71Ser). This variant is present in population databases (rs768649460, gnomAD 0.0009%). This variant has not been reported in the literature in individuals affected with TMEM173-related conditions. ClinVar contains an entry for this variant (Variation ID: 953790). Advanced modeling of protein sequence and biophysical properties (such as structural, functional, and spatial information, amino acid conservation, physicochemical variation, residue mobility, and thermodynamic stability) performed at Invitae indicates that this missense variant is not expected to disrupt TMEM173 protein function with a negative predictive value of 80%. In summary, the available evidence is currently insufficient to determine the role of this variant in disease. Therefore, it has been classified as a Variant of Uncertain Significance.